The following is an entry in ClinVar:

NM_001009185.3(ACSL6):c.1652C>T (p.Thr551Met)

Gene: ACSL6 (acyl-CoA synthetase long chain family member 6; minus strand). Cytogenetic location: 5q31.1.
Variant type: single nucleotide variant.
Coding change: c.1652C>T on transcript NM_001009185.3 (MANE Select); coding-DNA position 1652, C replaced by T.
Protein change: p.Thr551Met; replaces threonine 551 with methionine.
Molecular consequence: missense variant.
Genome position (GRCh38, 1-based): chr5:131,966,477, G>A on the plus strand (C>T on the coding strand, the complement: ACSL6 is on the minus strand). VCF-style: chr5-131966477-G-A. GRCh37 (hg19) VCF-style: chr5-131302170-G-A.
Other names: c.1547C>T, p.Thr516Met (NM_001205247.2); c.1577C>T, p.Thr526Met (NM_001205248.2); c.1610C>T, p.Thr537Met (NM_001205250.1); c.1352C>T, p.Thr451Met (NM_001205251.2); c.1652C>T, p.Thr551Met (NM_015256.4); c.1652C>T (NM_015256.3); short protein forms T451M, T516M, T526M, T537M, T551M.
Identifiers: ClinVar variation 1049234 (VCV001049234.4), dbSNP rs115302912, ClinGen allele CA3401228.
Genomic context (GRCh38, chr5:131,966,477, plus strand): 5'-GGCAGCCATTTTCCGATGTCTCCAGTGTGAAGCCAGCCATCGCTGTCCAGGGCCTCCTTC[G>A]TCCTGTCTGGATCTTTCAAGTAGCCTTTGAACACATTTGGTCCTCTCACACATATCTATG-3'
Protein context (NP_001009185.1, residues 541-561): FKGYLKDPDR[Thr551Met]KEALDSDGWL

ClinVar aggregate classification (germline): Uncertain significance. Review status: criteria provided, single submitter (1 of 4 stars). 3 submissions from 3 submitters: Uncertain significance (1). 2 of the submissions do not count toward it.

Conditions:
ACSL6-related disorder. Also called: ACSL6-related condition.

Allele frequency attached by ClinVar (database versions not stated): gnomAD exomes 0.00019 and 0.00045; ExAC 0.00052; 1000 Genomes Project 0.00140; 1000 Genomes Project 30x 0.00141; gnomAD 0.00142 and 0.00151; ESP Exome Variant Server 0.00200.
gnomAD v4.1: 491 of 1,614,142 alleles (0.03%); highest among the groups gnomAD compares: African/African-American, 0.48%; 2 homozygotes.

Submissions (3):

Breakthrough Genomics
Classification: Uncertain significance. Review status: criteria provided, single submitter. Criteria: ACMG Guidelines, 2015. Collection method: not provided. Allele origin: germline. Inheritance: Unknown mechanism. Affected: yes.

PreventionGenetics, part of Exact Sciences
Classification: Likely benign for ACSL6-related condition. Last evaluated: 2020-10-06. Review status: no assertion criteria provided. Collection method: clinical testing. Allele origin: germline. Not counted in ClinVar's aggregate classification.
Comment: This variant is classified as likely benign based on ACMG/AMP sequence variant interpretation guidelines (Richards et al. 2015 PMID: 25741868, with internal and published modifications).

Department of Pathology and Laboratory Medicine, Sinai Health System
Classification: Uncertain significance. Review status: no assertion criteria provided. Collection method: clinical testing. Allele origin: unknown. Affected: yes. Study: The Canadian Open Genetics Repository (COGR). Not counted in ClinVar's aggregate classification.
Comment: The ACSL6 p.Thr516Met variant was not identified in the literature nor was it identified in ClinVar, Cosmic or LOVD 3.0. The variant was identified in dbSNP (ID: rs115302912) and in control databases in 161 of 282742 chromosomes (1 homozygous) at a frequency of 0.000569 increasing the likelihood this could be a low frequency benign variant (Genome Aggregation Database Feb 27, 2017). The variant was observed in the following populations: African in 132 of 24964 chromosomes (freq: 0.005288), Latino in 13 of 35438 chromosomes (freq: 0.000367), European (non-Finnish) in 15 of 129058 chromosomes (freq: 0.000116) and South Asian in 1 of 30616 chromosomes (freq: 0.000033); it was not observed in the Ashkenazi Jewish, East Asian, European (Finnish) or Other populations. The p.Thr516 residue is conserved across mammals and other organisms, and four out of five computational analyses (PolyPhen-2, SIFT, BLOSUM, MutationTaster) suggest that the variant may impact the protein; however, this information is not predictive enough to assume pathogenicity. The variant occurs outside of the splicing consensus sequence and in silico or computational prediction software programs (SpliceSiteFinder, MaxEntScan, NNSPLICE, GeneSplicer) do not predict a difference in splicing. In summary, based on the above information the clinical significance of this variant cannot be determined with certainty at this time. This variant is classified as a variant of uncertain significance.